The following is an entry in ClinVar:

ClinVar aggregate classification (germline): Uncertain significance (1 of 4 stars; one submission).

gnomAD v4.1: 3 of 1,613,932 alleles (0.00019%); highest among the groups gnomAD compares: Non-Finnish European, 0.00025%; no homozygotes.

Submission:

Labcorp Genetics (formerly Invitae), Labcorp
Classification: Uncertain significance. Last evaluated: 2025-04-17. Review status: criteria provided, single submitter. Criteria: Invitae Variant Classification Sherloc (09022015). Collection method: clinical testing. Allele origin: germline.
Comment: This sequence change replaces alanine, which is neutral and non-polar, with proline, which is neutral and non-polar, at codon 2002 of the CACNA1D protein (p.Ala2002Pro). This variant is not present in population databases (gnomAD no frequency). This variant has not been reported in the literature in individuals affected with CACNA1D-related conditions. An algorithm developed to predict the effect of missense changes on protein structure and function (PolyPhen-2) suggests that this variant is likely to be disruptive. In summary, the available evidence is currently insufficient to determine the role of this variant in disease. Therefore, it has been classified as a Variant of Uncertain Significance.

NM_001128840.3(CACNA1D):c.5944G>C (p.Ala1982Pro)

Gene: CACNA1D (calcium voltage-gated channel subunit alpha1 D; plus strand). Cytogenetic location: 3p21.1.
Variant type: single nucleotide variant.
Coding change: c.5944G>C on transcript NM_001128840.3 (MANE Select); coding-DNA position 5944, G replaced by C.
Protein change: p.Ala1982Pro; replaces alanine 1982 with proline.
Molecular consequence: missense variant.
Genome position (GRCh38, 1-based): chr3:53,810,050, G>C. VCF-style: chr3-53810050-G-C. GRCh37 (hg19) VCF-style: chr3-53844077-G-C.
Other names: c.6004G>C, p.Ala2002Pro (NM_000720.4); c.5872G>C, p.Ala1958Pro (NM_001128839.3); short protein forms A1958P, A1982P, A2002P.
Identifiers: ClinVar variation 4717649 (VCV004717649.1).
Genomic context (GRCh38, chr3:53,810,050, plus strand): 5'-GCCGGCCTAGATTCAAGTAAAGCCCAGAAGTACTCACCGAGTCACTCGACCCGGTCGTGG[G>C]CCACCCCTCCAGCAACCCCTCCCTACCGGGACTGGACACCGTGCTACACCCCCCTGATCC-3'
Protein context (NP_001122312.1, residues 1972-1992): YSPSHSTRSW[Ala1982Pro]TPPATPPYRD